The following is an entry in ClinVar:

NM_014140.4(SMARCAL1):c.1860G>C (p.Trp620Cys)

Gene: SMARCAL1 (SNF2 related chromatin remodeling annealing helicase 1; plus strand). Cytogenetic location: 2q35.
Variant type: single nucleotide variant.
Coding change: c.1860G>C on transcript NM_014140.4 (MANE Select); coding-DNA position 1860, G replaced by C.
Protein change: p.Trp620Cys; replaces tryptophan 620 with cysteine.
Molecular consequence: missense variant.
Genome position (GRCh38, 1-based): chr2:216,450,854, G>C. VCF-style: chr2-216450854-G-C. GRCh37 (hg19) VCF-style: chr2-217315577-G-C.
Other names: p.Trp620Cys; c.1860G>C, p.Trp620Cys (NM_001127207.2); short protein forms W620C.
Identifiers: ClinVar variation 1405001 (VCV001405001.7), dbSNP rs909012139, ClinGen allele CA65608290.

ClinVar aggregate classification (germline): Uncertain significance. Review status: criteria provided, multiple submitters, no conflicts (2 of 4 stars). 3 submissions from 3 submitters: Uncertain significance (3). Last evaluated 2023-06-21.

Conditions:
Schimke immuno-osseous dysplasia (SIOD). Also called: Schimke Immunoosseous Dysplasia. Identifiers: Orphanet 1830, MedGen C0877024, MONDO:0009458, OMIM 242900.

gnomAD v4.1: 9 of 1,613,570 alleles (0.00056%); highest among the groups gnomAD compares: African/African-American, 0.008%; no homozygotes.

Submissions (3):

Mayo Clinic Laboratories, Mayo Clinic
Classification: Uncertain significance. Last evaluated: 2023-06-21. Review status: criteria provided, single submitter. Criteria: ACMG Guidelines, 2015. Collection method: clinical testing. Allele origin: germline. Observed: 1 variant allele.
Comment: PP3, PM2_supporting

Labcorp Genetics (formerly Invitae), Labcorp
Classification: Uncertain significance for Schimke immuno-osseous dysplasia. Last evaluated: 2022-05-12. Review status: criteria provided, single submitter. Criteria: Invitae Variant Classification Sherloc (09022015). Collection method: clinical testing. Allele origin: germline.
Comment: This sequence change replaces tryptophan, which is neutral and slightly polar, with cysteine, which is neutral and slightly polar, at codon 620 of the SMARCAL1 protein (p.Trp620Cys). This variant is present in population databases (no rsID available, gnomAD 0.008%). This variant has not been reported in the literature in individuals affected with SMARCAL1-related conditions. Algorithms developed to predict the effect of missense changes on protein structure and function are either unavailable or do not agree on the potential impact of this missense change (SIFT: "Deleterious"; PolyPhen-2: "Probably Damaging"; Align-GVGD: "Class C15"). In summary, the available evidence is currently insufficient to determine the role of this variant in disease. Therefore, it has been classified as a Variant of Uncertain Significance.

Fulgent Genetics
Classification: Uncertain significance for Schimke immuno-osseous dysplasia. Last evaluated: 2022-02-09. Review status: criteria provided, single submitter. Criteria: ACMG Guidelines, 2015. Collection method: clinical testing. Allele origin: unknown.